The following is an entry in ClinVar:

ClinVar aggregate classification (germline): Uncertain significance (1 of 4 stars; one submission).

gnomAD v4.1: 2 of 1,613,792 alleles (0.00012%); highest among the groups gnomAD compares: Admixed American, 0.0033%; no homozygotes.

Submission:

Women's Health and Genetics/Laboratory Corporation of America, LabCorp
Classification: Uncertain significance. Last evaluated: 2024-06-07. Review status: criteria provided, single submitter. Criteria: LabCorp Variant Classification Summary - May 2015. Collection method: clinical testing. Allele origin: germline.
Comment: Variant summary: GP1BA c.62A>C (p.Glu21Ala) results in a non-conservative amino acid change located in the Leucine-rich repeat N-terminal domain (IPR000372) of the encoded protein sequence. Three of five in-silico tools predict a damaging effect of the variant on protein function. The variant was absent in 249232 control chromosomes. The available data on variant occurrences in the general population are insufficient to allow any conclusion about variant significance. To our knowledge, no occurrence of c.62A>C in individuals affected with Bernard-Soulier Syndrome, Type A2, Autosomal Dominant and no experimental evidence demonstrating its impact on protein function have been reported. No submitters have cited clinical-significance assessments for this variant to ClinVar. Based on the evidence outlined above, the variant was classified as uncertain significance.

NM_000173.7(GP1BA):c.62A>C (p.Glu21Ala)

Gene: GP1BA (glycoprotein Ib platelet subunit alpha; plus strand). Cytogenetic location: 17p13.2.
Variant type: single nucleotide variant.
Coding change: c.62A>C on transcript NM_000173.7 (MANE Select); coding-DNA position 62, A replaced by C.
Protein change: p.Glu21Ala; replaces glutamic acid 21 with alanine.
Molecular consequence: missense variant.
Genome position (GRCh38, 1-based): chr17:4,932,666, A>C. VCF-style: chr17-4932666-A-C. GRCh37 (hg19) VCF-style: chr17-4835961-A-C.
Other names: short protein forms E21A.
Identifiers: ClinVar variation 3339694 (VCV003339694.1).